The following is an entry in ClinVar:

ClinVar aggregate classification (germline): Likely pathogenic (1 of 4 stars; one submission).

Conditions:
Neuromuscular disease caused by qualitative or quantitative defects of dysferlin. Also called: Dysferlinopathy; Qualitative or quantitative defects of dysferlin. Identifiers: Orphanet 207073, MedGen C2931687, MONDO:0016145.

Submission:

Labcorp Genetics (formerly Invitae), Labcorp
Classification: Likely pathogenic for Neuromuscular disease caused by qualitative or quantitative defects of dysferlin. Last evaluated: 2021-11-15. Review status: criteria provided, single submitter. Criteria: Invitae Variant Classification Sherloc (09022015). Collection method: clinical testing. Allele origin: germline.
Comment: In summary, the currently available evidence indicates that the variant is pathogenic, but additional data are needed to prove that conclusively. Therefore, this variant has been classified as Likely Pathogenic. Algorithms developed to predict the effect of sequence changes on RNA splicing suggest that this variant may disrupt the consensus splice site. Disruption of this splice site has been observed in individual(s) with DYSF-related conditions (PMID: 32400077). This variant is not present in population databases (gnomAD no frequency). This sequence change affects an acceptor splice site in intron 26 of the DYSF gene. It is expected to disrupt RNA splicing. Variants that disrupt the donor or acceptor splice site typically lead to a loss of protein function (PMID: 16199547), and loss-of-function variants in DYSF are known to be pathogenic (PMID: 17698709, 20301480).

Literature cited by the submitters: PubMed 32400077; PubMed 16199547; PubMed 17698709; PubMed 20301480.

NM_001130987.2(DYSF):c.2865-1G>A

Gene: DYSF (dysferlin; plus strand). Cytogenetic location: 2p13.2.
Variant type: single nucleotide variant.
Coding change: c.2865-1G>A on transcript NM_001130987.2 (MANE Select); the canonical splice acceptor site of the intron before coding-DNA position 2865, G replaced by A.
Molecular consequence: splice acceptor variant.
Genome position (GRCh38, 1-based): chr2:71,569,819, G>A. VCF-style: chr2-71569819-G-A. GRCh37 (hg19) VCF-style: chr2-71796949-G-A.
Other names: c.2904-1G>A (NM_001130979.2); c.2862-1G>A (NM_001130981.2, NM_001130980.2); c.2811-1G>A (NM_001130978.2, NM_003494.4); c.2769-1G>A (NM_001130977.2, NM_001130976.2); c.2907-1G>A (NM_001130982.2); c.2865-1G>A (NM_001130985.2); c.2814-1G>A (NM_001130983.2, NM_001130455.2); c.2772-1G>A (NM_001130984.2, NM_001130986.2).
Identifiers: ClinVar variation 1483857 (VCV001483857.6), dbSNP rs2152813916, ClinGen allele CA347215851.